The following is an entry in ClinVar:

ClinVar aggregate classification (germline): Uncertain significance (1 of 4 stars; one submission).

Conditions:
Granulomatous disease, chronic, autosomal recessive, cytochrome b-positive, type 3. Also called: GRANULOMATOUS DISEASE, CHRONIC, AUTOSOMAL RECESSIVE, 3; CGD, AUTOSOMAL RECESSIVE CYTOCHROME b-POSITIVE, TYPE III; GRANULOMATOUS DISEASE, CHRONIC, DUE TO NCF4 DEFICIENCY; Granulomatous disease, chronic, autosomal recessive, cytochrome b-positive, type III. Identifiers: Orphanet 379, MedGen C3151409, MONDO:0013507, OMIM 613960.

Submission:

Labcorp Genetics (formerly Invitae), Labcorp
Classification: Uncertain significance for Granulomatous disease, chronic, autosomal recessive, cytochrome b-positive, type 3. Last evaluated: 2022-08-15. Review status: criteria provided, single submitter. Criteria: Invitae Variant Classification Sherloc (09022015). Collection method: clinical testing. Allele origin: germline.
Comment: In summary, the available evidence is currently insufficient to determine the role of this variant in disease. Therefore, it has been classified as a Variant of Uncertain Significance. Experimental studies and prediction algorithms are not available or were not evaluated, and the functional significance of this variant is currently unknown. ClinVar contains an entry for this variant (Variation ID: 1419934). This variant has not been reported in the literature in individuals affected with NCF4-related conditions. This variant is not present in population databases (gnomAD no frequency). This variant, c.331_333dup, results in the insertion of 1 amino acid(s) of the NCF4 protein (p.Ala111dup), but otherwise preserves the integrity of the reading frame.

NM_000631.5(NCF4):c.331_333dup (p.Ala111dup)

Genes: NCF4 (neutrophil cytosolic factor 4; plus strand), NCF4-AS1 (NCF4 antisense RNA 1; minus strand). Cytogenetic location: 22q12.3.
Variant type: Duplication.
Coding change: c.331_333dup on transcript NM_000631.5 (MANE Select); coding-DNA positions 331 to 333, 3 bases duplicated (GCC; older notation c.331_333dupGCC).
Protein change: p.Ala111dup; duplicates alanine 111.
Molecular consequence: inframe insertion.
Genome position (GRCh38, 1-based): chr22:36,867,451-36,867,453, GCC duplicated; duplicating any 3 consecutive bases within chr22:36,867,450-36,867,453 gives the same sequence; the c. name uses the placement nearest the transcript's 3' end. VCF-style (leftmost placement, unchanged base first): chr22-36867449-A-ACGC. GRCh37 (hg19) VCF-style: chr22-37263491-A-ACGC.
Other names: c.331_333dup, p.Ala111dup (NM_013416.4).
Identifiers: ClinVar variation 1419934 (VCV001419934.6), dbSNP rs2145710334, ClinGen allele CA2573158113.